The following is an entry in ClinVar:

NM_015425.6(POLR1A):c.2686A>G (p.Met896Val)

Gene: POLR1A (RNA polymerase I subunit A; minus strand). Cytogenetic location: 2p11.2.
Variant type: single nucleotide variant.
Coding change: c.2686A>G on transcript NM_015425.6 (MANE Select); coding-DNA position 2686, A replaced by G.
Protein change: p.Met896Val; replaces methionine 896 with valine.
Molecular consequence: missense variant.
Genome position (GRCh38, 1-based): chr2:86,047,212, T>C on the plus strand (A>G on the coding strand, the complement: POLR1A is on the minus strand). VCF-style: chr2-86047212-T-C. GRCh37 (hg19) VCF-style: chr2-86274335-T-C.
Other names: c.2686A>G (NM_015425.3); short protein forms M896V.
Identifiers: ClinVar variation 2870924 (VCV002870924.4), dbSNP rs770252418, ClinGen allele CA1745983.
Genomic context (GRCh38, chr2:86,047,212, plus strand): 5'-CCTCTGCACATACCTGCATCGTGTTCACAGTTGAACCTTTGGCTCCCGACTGCACCATCA[T>C]CTGCAGGCTGTTCTCTGGGAACTGTCTGTGTAGGCCAAAAGGCATGCATGCCTGCAGATT-3'
Protein context (NP_056240.2, residues 886-906): HRQFPENSLQ[Met896Val]MVQSGAKGST

ClinVar aggregate classification (germline): Uncertain significance. Review status: criteria provided, multiple submitters, no conflicts (2 of 4 stars). 2 submissions from 2 submitters: Uncertain significance (2). Last evaluated 2025-05-21.

Conditions:
Inborn genetic diseases. Identifiers: MedGen C0950123, MeSH D030342.

Allele frequency attached by ClinVar (database versions not stated): TOPMed below 0.00001; ExAC 0.00001; gnomAD 0.00001; gnomAD exomes 0.00001.
gnomAD v4.1: 12 of 1,614,014 alleles (0.00074%); highest among the groups gnomAD compares: Non-Finnish European, 0.001%; no homozygotes.

Submissions (2):

Ambry Genetics
Classification: Uncertain significance for Inborn genetic diseases. Last evaluated: 2025-05-21. Review status: criteria provided, single submitter. Criteria: Ambry Variant Classification Scheme 2023. Collection method: clinical testing. Allele origin: germline.

Labcorp Genetics (formerly Invitae), Labcorp
Classification: Uncertain significance. Last evaluated: 2023-11-22. Review status: criteria provided, single submitter. Criteria: Invitae Variant Classification Sherloc (09022015). Collection method: clinical testing. Allele origin: germline.
Comment: This sequence change replaces methionine, which is neutral and non-polar, with valine, which is neutral and non-polar, at codon 896 of the POLR1A protein (p.Met896Val). This variant is present in population databases (rs770252418, gnomAD 0.0009%). This variant has not been reported in the literature in individuals affected with POLR1A-related conditions. Advanced modeling of protein sequence and biophysical properties (such as structural, functional, and spatial information, amino acid conservation, physicochemical variation, residue mobility, and thermodynamic stability) performed at Invitae indicates that this missense variant is not expected to disrupt POLR1A protein function with a negative predictive value of 80%. In summary, the available evidence is currently insufficient to determine the role of this variant in disease. Therefore, it has been classified as a Variant of Uncertain Significance.